The following is an entry in ClinVar:

NM_001127222.2(CACNA1A):c.4389-1G>C

Gene: CACNA1A (calcium voltage-gated channel subunit alpha1 A; minus strand). Cytogenetic location: 19p13.13.
Variant type: single nucleotide variant.
Coding change: c.4389-1G>C on transcript NM_001127222.2 (MANE Select); the canonical splice acceptor site of the intron before coding-DNA position 4389, G replaced by C.
Molecular consequence: splice acceptor variant.
Genome position (GRCh38, 1-based): chr19:13,257,552, C>G on the plus strand (G>C on the coding strand, the complement: CACNA1A is on the minus strand). VCF-style: chr19-13257552-C-G. GRCh37 (hg19) VCF-style: chr19-13368366-C-G.
Other names: c.4392-1G>C (NM_001127221.2, NM_001174080.2); c.4401-1G>C (NM_000068.4, NM_023035.3).
Identifiers: ClinVar variation 953868 (VCV000953868.10), dbSNP rs1360397142, ClinGen allele CA404339183.

ClinVar aggregate classification (germline): Pathogenic (1 of 4 stars; one submission).

Conditions:
Developmental and epileptic encephalopathy, 42 (DEE42A). Also called: DEVELOPMENTAL AND EPILEPTIC ENCEPHALOPATHY 42A; EPILEPTIC ENCEPHALOPATHY, EARLY INFANTILE, 42A; Epileptic encephalopathy, early infantile, 42. Identifiers: MedGen C4310716, MONDO:0014917, OMIM 617106.
Episodic ataxia type 2 (EA2). Also called: ATAXIA, EPISODIC, WITH NYSTAGMUS; ATAXIA, FAMILIAL PAROXYSMAL; CEREBELLAR ATAXIA, PAROXYSMAL, ACETAZOLAMIDE-RESPONSIVE; ACETAZOLAMIDE-RESPONSIVE HEREDITARY PAROXYSMAL CEREBELLAR ATAXIA; CEREBELLOPATHY, HEREDITARY PAROXYSMAL; EPISODIC ATAXIA, NYSTAGMUS-ASSOCIATED. Identifiers: Orphanet 97, MedGen C1720416, MONDO:0007163, OMIM 108500.

Submission:

Labcorp Genetics (formerly Invitae), Labcorp
Classification: Pathogenic for Developmental and epileptic encephalopathy, 42; Episodic ataxia type 2. Last evaluated: 2023-07-17. Review status: criteria provided, single submitter. Criteria: Invitae Variant Classification Sherloc (09022015). Collection method: clinical testing. Allele origin: germline.
Comment: Disruption of this splice site has been observed in individual(s) with episodic ataxia (PMID: 23344743, 27667184). It has also been observed to segregate with disease in related individuals. ClinVar contains an entry for this variant (Variation ID: 953868). Algorithms developed to predict the effect of sequence changes on RNA splicing suggest that this variant may disrupt the consensus splice site. For these reasons, this variant has been classified as Pathogenic. This variant is not present in population databases (gnomAD no frequency). This sequence change affects an acceptor splice site in intron 27 of the CACNA1A gene. It is expected to disrupt RNA splicing. Variants that disrupt the donor or acceptor splice site typically lead to a loss of protein function (PMID: 16199547), and loss-of-function variants in CACNA1A are known to be pathogenic (PMID: 10371528, 19486177, 25735478, 27250579).

Literature cited by the submitters: PubMed 23344743; PubMed 27667184; PubMed 16199547; PubMed 10371528; PubMed 19486177; PubMed 25735478; PubMed 27250579.